The following is an entry in ClinVar:

NM_000388.4(CASR):c.3169T>A (p.Ser1057Thr)

Gene: CASR (calcium sensing receptor; plus strand). Cytogenetic location: 3q21.1.
Variant type: single nucleotide variant.
Coding change: c.3169T>A on transcript NM_000388.4 (MANE Select); coding-DNA position 3169, T replaced by A.
Protein change: p.Ser1057Thr; replaces serine 1057 with threonine.
Molecular consequence: missense variant.
Genome position (GRCh38, 1-based): chr3:122,285,123, T>A. VCF-style: chr3-122285123-T-A. GRCh37 (hg19) VCF-style: chr3-122003970-T-A.
Other names: c.3199T>A, p.Ser1067Thr (NM_001178065.2); short protein forms S1057T, S1067T.
Identifiers: ClinVar variation 532605 (VCV000532605.11), dbSNP rs1553769334, ClinGen allele CA354161672.
Genomic context (GRCh38, chr3:122,285,123, plus strand): 5'-GGTGGAGACCAGCGGCCAGAGGTGGAGGACCCTGAAGAGTTGTCCCCAGCACTTGTAGTG[T>A]CCAGTTCACAGAGCTTTGTCATCAGTGGTGGAGGCAGCACTGTTACAGAAAACGTAGTGA-3'
Protein context (NP_000379.3, residues 1047-1067): PEELSPALVV[Ser1057Thr]SSQSFVISGG

ClinVar aggregate classification (germline): Uncertain significance (1 of 4 stars; one submission).

Conditions:
Familial hypocalciuric hypercalcemia (FHH). Also called: Familial benign hypercalcemia. Identifiers: Orphanet 405, MedGen C1809471, MONDO:0018458.
Autosomal dominant hypocalcemia 1 (HYPOC1). Also called: HYPOCALCEMIA, FAMILIAL. Identifiers: MedGen C3715128, MONDO:0011013, OMIM 601198.

Submission:

Labcorp Genetics (formerly Invitae), Labcorp
Classification: Uncertain significance for Familial hypocalciuric hypercalcemia; Autosomal dominant hypocalcemia 1. Last evaluated: 2025-02-02. Review status: criteria provided, single submitter. Criteria: Invitae Variant Classification Sherloc (09022015). Collection method: clinical testing. Allele origin: germline.
Comment: This sequence change replaces serine, which is neutral and polar, with threonine, which is neutral and polar, at codon 1057 of the CASR protein (p.Ser1057Thr). This variant is not present in population databases (gnomAD no frequency). This variant has not been reported in the literature in individuals affected with CASR-related conditions. ClinVar contains an entry for this variant (Variation ID: 532605). An algorithm developed to predict the effect of missense changes on protein structure and function (PolyPhen-2) suggests that this variant is likely to be tolerated. In summary, the available evidence is currently insufficient to determine the role of this variant in disease. Therefore, it has been classified as a Variant of Uncertain Significance.